The following is an entry in ClinVar:

ClinVar aggregate classification (germline): Pathogenic (1 of 4 stars; one submission).

Conditions:
Tuberous sclerosis 2 (TSC2). Identifiers: Orphanet 805, MedGen C1860707, MONDO:0013199, OMIM 613254.

Submission:

Labcorp Genetics (formerly Invitae), Labcorp
Classification: Pathogenic for Tuberous sclerosis 2. Last evaluated: 2020-05-26. Review status: criteria provided, single submitter. Criteria: Invitae Variant Classification Sherloc (09022015). Collection method: clinical testing. Allele origin: germline.
Comment: For these reasons, this variant has been classified as Pathogenic. Loss-of-function variants including gross deletions in TSC2 are known to be pathogenic. Deletions encompassing exon 16 have been reported in the literature in individuals affected with tuberous sclerosis complex (PMID: 16114042, 25782670) and in affected individuals in the Leiden Open-source Variation Database (PMID: 21520333). Deletions of exon 16 are known as deletions of exon 15 in the literature. This variant is a gross deletion of the genomic region encompassing exon 16 of the TSC2 gene. This deletion extends beyond the edge of the assayed exon, and the exact 5' and 3' boundaries of this event are not known but most likely lie within introns 15 and 16. This leads to an in-frame deletion, preserving the integrity of the reading frame.

Literature cited by the submitters: PubMed 16114042; PubMed 25782670; PubMed 21520333.

NC_000016.9:g.(?_2115510)_(2115646_?)del

Gene: TSC2 (TSC complex subunit 2; plus strand). Cytogenetic location: 16p13.3.
Variant type: Deletion.
Identifiers: ClinVar variation 1073182 (VCV001073182.7).